The following is an entry in ClinVar:

NM_032861.4(SERAC1):c.262_265dup (p.Gly89fs)

Gene: SERAC1 (serine active site containing 1; minus strand). Cytogenetic location: 6q25.3.
Variant type: Duplication.
Coding change: c.262_265dup on transcript NM_032861.4 (MANE Select); coding-DNA positions 262 to 265, 4 bases duplicated (CATG; older notation c.262_265dupCATG).
Protein change: p.Gly89fs; shifts the reading frame from glycine 89.
Molecular consequence: frameshift variant. On other transcripts: non-coding transcript variant (1).
Genome position (GRCh38, 1-based): chr6:158,150,453-158,150,456, CATG duplicated on the plus strand (CATG on the coding strand, the reverse complement: SERAC1 is on the minus strand). VCF-style (leftmost placement, unchanged base first): chr6-158150452-C-CCATG. GRCh37 (hg19) VCF-style: chr6-158571484-C-CCATG.
Other names: NM_032861.3:c.262_265dupCATG; short protein forms G89fs.
Identifiers: ClinVar variation 208610 (VCV000208610.10), dbSNP rs797045105, ClinGen allele CA276020.
Genomic context (GRCh38, chr6:158,150,452, plus strand): 5'-ATTTTTAAATGCAATAACTAGCTTCCATTTTTCACAGAGGATTACTTTACAATAAACTTA[C>CCATG]CATGATTTTCTCCTTTGTCTAAAGAAACTGTGTGCACATATATATATGACTTCATTTTTT-3'

ClinVar aggregate classification (germline): Pathogenic/Likely pathogenic. Review status: criteria provided, multiple submitters, no conflicts (2 of 4 stars). 3 submissions from 3 submitters: Pathogenic (2); Likely pathogenic (1). Last evaluated 2024-12-15.

Conditions:
3-methylglutaconic aciduria with deafness, encephalopathy, and Leigh-like syndrome (MEGDEL). Also called: SERAC1 Deficiency; 3-METHYLGLUTACONIC ACIDURIA, TYPE VI; MEGDEL syndrome. Identifiers: Orphanet 352328, MedGen C4040739, MONDO:0013875, OMIM 614739.

Allele frequency attached by ClinVar (database versions not stated): TOPMed below 0.00001; gnomAD 0.00001; gnomAD exomes below 0.00001.

Submissions (3):

Labcorp Genetics (formerly Invitae), Labcorp
Classification: Pathogenic for 3-methylglutaconic aciduria with deafness, encephalopathy, and Leigh-like syndrome. Last evaluated: 2024-12-15. Review status: criteria provided, single submitter. Criteria: Invitae Variant Classification Sherloc (09022015). Collection method: clinical testing. Allele origin: germline.
Comment: This sequence change creates a premature translational stop signal (p.Gly89Alafs*32) in the SERAC1 gene. It is expected to result in an absent or disrupted protein product. Loss-of-function variants in SERAC1 are known to be pathogenic (PMID: 22683713). This variant is not present in population databases (gnomAD no frequency). This premature translational stop signal has been observed in individual(s) with 3-methylglutaconic aciduria (PMID: 33613893). This variant is also known as c.262_265dup (Splice site). ClinVar contains an entry for this variant (Variation ID: 208610). Algorithms developed to predict the effect of sequence changes on RNA splicing suggest that this variant may disrupt the consensus splice site. For these reasons, this variant has been classified as Pathogenic.

Revvity Omics, Revvity
Classification: Pathogenic for 3-methylglutaconic aciduria with deafness, encephalopathy, and Leigh-like syndrome. Last evaluated: 2024-11-19. Review status: criteria provided, single submitter. Criteria: ACMG Guidelines, 2015. Collection method: clinical testing. Allele origin: germline.

Laboratory for Molecular Medicine, Mass General Brigham Personalized Medicine
Classification: Likely pathogenic for 3-methylglutaconic aciduria with deafness, encephalopathy, and Leigh-like syndrome. Last evaluated: 2014-09-28. Review status: criteria provided, single submitter. Criteria: LMM Criteria. Collection method: clinical testing. Allele origin: germline. Inheritance: Autosomal recessive inheritance. Observed: 1 variant allele. Study: CSER-MedSeq.
Comment: The p.Gly89AlafsX32 variant in SERAC1 has not been previously reported in individuals with disease or in large population studies. This variant is predicted to cause a frameshift, which would alter the protein’s amino acid sequence beginning at position 89 and lead to a premature termination codon 32 amino acids downstream. This alteration is then predicted to lead to a truncated or absent protein. Loss of function of the SERAC1 gene is an established disease mechanism in individuals with 3-methylglutaconic aciduria with deafness, encephalopathy, and Leigh-like syndrome. In summary, this variant is likely pathogenic for 3-methylglutaconic aciduria with deafness, encephalopathy, and Leigh-like syndrome in an autosomal recessive manner, though additional data is required to prove the predicted impact on the gene.

Literature cited by the submitters: PubMed 22683713 (cited by Labcorp Genetics (formerly Invitae), Labcorp); PubMed 33613893 (cited by Labcorp Genetics (formerly Invitae), Labcorp).